The following is an entry in ClinVar:

NM_001291303.3(FAT4):c.7799C>A (p.Pro2600His)

Gene: FAT4 (FAT atypical cadherin 4; plus strand). Cytogenetic location: 4q28.1.
Variant type: single nucleotide variant.
Coding change: c.7799C>A on transcript NM_001291303.3 (MANE Select); coding-DNA position 7799, C replaced by A.
Protein change: p.Pro2600His; replaces proline 2600 with histidine.
Molecular consequence: missense variant.
Genome position (GRCh38, 1-based): chr4:125,448,809, C>A. VCF-style: chr4-125448809-C-A. GRCh37 (hg19) VCF-style: chr4-126369964-C-A.
Other names: c.7799C>A, p.Pro2600His (NM_001291285.3); c.7793C>A, p.Pro2598His (NM_024582.6); c.7799C>A (NM_001291303.1); short protein forms P2598H, P2600H.
Identifiers: ClinVar variation 2492129 (VCV002492129.3), dbSNP rs1378606538, ClinGen allele CA358141760.

ClinVar aggregate classification (germline): Uncertain significance. Review status: criteria provided, single submitter (1 of 4 stars). 2 submissions from 2 submitters: Uncertain significance (1). 1 of the submissions does not count toward it. Last evaluated 2023-03-01.

Conditions:
FAT4-related disorder. Also called: FAT4-related condition.
Inborn genetic diseases. Identifiers: MedGen C0950123, MeSH D030342.

gnomAD v4.1: 2 of 1,609,432 alleles (0.00012%); highest among the groups gnomAD compares: Non-Finnish European, 0.000085%; no homozygotes.

Submissions (2):

Ambry Genetics
Classification: Uncertain significance for Inborn genetic diseases. Last evaluated: 2023-03-01. Review status: criteria provided, single submitter. Criteria: Ambry Variant Classification Scheme 2023. Collection method: clinical testing. Allele origin: germline.

PreventionGenetics, part of Exact Sciences
Classification: Uncertain significance for FAT4-related condition. Last evaluated: 2024-04-09. Review status: no assertion criteria provided. Collection method: clinical testing. Allele origin: germline. Not counted in ClinVar's aggregate classification.
Comment: The FAT4 c.7799C>A variant is predicted to result in the amino acid substitution p.Pro2600His. To our knowledge, this variant has not been reported in the literature. This variant is reported in 0.0065% of alleles in individuals of European (Non-Finnish) descent in gnomAD. At this time, the clinical significance of this variant is uncertain due to the absence of conclusive functional and genetic evidence.